The following is an entry in ClinVar:

NM_001844.5(COL2A1):c.4344T>C (p.Thr1448=)

Gene: COL2A1 (collagen type II alpha 1 chain; minus strand). Cytogenetic location: 12q13.11.
Variant type: single nucleotide variant.
Coding change: c.4344T>C on transcript NM_001844.5 (MANE Select); coding-DNA position 4344, T replaced by C.
Protein change: p.Thr1448=; no amino-acid change (threonine 1448 retained).
Molecular consequence: synonymous variant.
Genome position (GRCh38, 1-based): chr12:47,973,527, A>G on the plus strand (T>C on the coding strand, the complement: COL2A1 is on the minus strand). VCF-style: chr12-47973527-A-G. GRCh37 (hg19) VCF-style: chr12-48367310-A-G.
Other names: c.4137T>C, p.Thr1379= (NM_033150.3).
Identifiers: ClinVar variation 516324 (VCV000516324.27), dbSNP rs200214562, ClinGen allele CA6534477.

ClinVar aggregate classification (germline): Benign/Likely benign. Review status: criteria provided, multiple submitters, no conflicts (2 of 4 stars). 9 submissions from 8 submitters: Benign (4); Likely benign (5). Last evaluated 2026-06-01.

Conditions:
Type 2 collagenopathy. Identifiers: Orphanet 93421, MedGen C2931073, MONDO:0022800.
Kniest dysplasia. Identifiers: Orphanet 485, MedGen C0265279, MONDO:0007987, OMIM 156550.
Stickler syndrome, type I, nonsyndromic ocular. Also called: STICKLER SYNDROME, ATYPICAL; STICKLER SYNDROME, TYPE I, PREDOMINANTLY OCULAR. Identifiers: MedGen C1836080, MONDO:0012287, OMIM 609508.
Spondyloperipheral dysplasia. Also called: Spondyloperipheral dysplasia-short ulna syndrome; SPONDYLOPERIPHERAL DYSPLASIA WITH SHORT ULNA. Identifiers: Orphanet 1856, MedGen C0796173, MONDO:0010078, OMIM 271700.
Namaqualand hip dysplasia (OSCDP). Also called: Mild spondyloepiphyseal dysplasia due to COL2A1 mutation with early-onset osteoarthritis. Identifiers: Orphanet 93279, MedGen C0432214, MONDO:0011496, OMIM 604864.
Spondyloepiphyseal dysplasia congenita (SEDC). Also called: SED CONGENITA; SPONDYLOEPIPHYSEAL DYSPLASIA, CONGENITAL TYPE. Identifiers: Orphanet 94068, MedGen C2745959, MONDO:0008471, OMIM 183900.
Spondyloepimetaphyseal dysplasia, Strudwick type (SEMDSTWK). Also called: DAPPLED METAPHYSIS SYNDROME; STRUDWICK SYNDROME. Identifiers: Orphanet 93346, MedGen C0700635, MONDO:0008476, OMIM 184250.
Spondyloepiphyseal dysplasia, Stanescu type. Also called: SED, STANESCU TYPE; SPONDYLOEPIMETAPHYSEAL DYSPLASIA, STANESCU TYPE. Identifiers: Orphanet 459051, MedGen C4225273, MONDO:0014701, OMIM 616583.
Spondyloepiphyseal dysplasia with metatarsal shortening. Also called: Pseudorheumatoid dysplasia progressive, with hypoplastic toes; CZECH DYSPLASIA, METATARSAL TYPE; SPONDYLOEPIPHYSEAL DYSPLASIA WITH PRECOCIOUS OSTEOARTHRITIS. Identifiers: Orphanet 137678, MedGen C1836683, MONDO:0012206, OMIM 609162.
Achondrogenesis type II (ACG2). Also called: ACHONDROGENESIS, LANGER-SALDINO TYPE; CHONDROGENESIS IMPERFECTA. Identifiers: Orphanet 932, Orphanet 93296, MedGen C0220685, MONDO:0008702, OMIM 200610.
Legg-Calve-Perthes disease. Also called: Osteochondritis deformans; Coxa plana; Avascular necrosis of the capital femoral epiphysis; PERTHES DISEASE. Identifiers: Orphanet 2380, MedGen C1442965, MONDO:0007885, OMIM 150600, HP:0005743.
Stickler syndrome type 1 (STL1). Also called: COL2A1-Related Stickler Syndrome; ARTHROOPHTHALMOPATHY, HEREDITARY PROGRESSIVE; STICKLER SYNDROME, MEMBRANOUS VITREOUS TYPE; STICKLER SYNDROME, VITREOUS TYPE 1. Identifiers: Orphanet 828, Orphanet 90653, MedGen C2020284, MONDO:0007160, OMIM 108300.
Platyspondylic dysplasia, Torrance type (PLSDT). Identifiers: Orphanet 85166, MedGen C1835437, MONDO:0007895, OMIM 151210.
Spondylometaphyseal dysplasia - Sutcliffe type. Also called: Sutcliffe type of spondylometaphyseal dysplasia; Sutcliffe SMD; Spondylometaphyseal dysplasia, 'corner fracture' type; Spondylometaphyseal Dysplasia, Corner Fracture Type. Identifiers: Orphanet 93315, MedGen C0432221, MONDO:0008479, OMIM 184255.
Vitreoretinopathy with phalangeal epiphyseal dysplasia (VPED). Identifiers: MedGen C1852989, MONDO:0031001, OMIM 619248.
Avascular necrosis of femoral head, primary, 1 (ANFH1). Also called: Avascular necrosis of femoral head, primary. Identifiers: Orphanet 86820, MedGen C4551562, MONDO:0054550, OMIM 608805.
Multiple epiphyseal dysplasia, Beighton type. Identifiers: Orphanet 166011, MedGen C1851536, MONDO:0007562, OMIM 132450.
Connective tissue disorder. Also called: Connective tissue disease. Identifiers: MedGen C0009782, MONDO:0003900.

Allele frequency attached by ClinVar (database versions not stated): gnomAD 0.00012 and 0.00014; 1000 Genomes Project 30x 0.00016; 1000 Genomes Project 0.00020; gnomAD exomes 0.00022 and 0.00113; TOPMed 0.00043; ExAC 0.00099.
gnomAD v4.1: 331 of 1,614,134 alleles (0.021%); highest among the groups gnomAD compares: Admixed American, 0.54%; 2 homozygotes.

Submissions (9):

CeGaT Center for Human Genetics Tuebingen
Classification: Likely benign. Last evaluated: 2026-06-01. Review status: criteria provided, single submitter. Criteria: CeGaT Center For Human Genetics Tuebingen Variant Classification Criteria Version 2. Collection method: clinical testing. Allele origin: germline. Affected: yes. Observed: 3 variant alleles.
Comment: COL2A1: BP4, BP7, BS1

Women's Health and Genetics/Laboratory Corporation of America, LabCorp
Classification: Likely benign. Last evaluated: 2026-05-14. Review status: criteria provided, single submitter. Criteria: LabCorp Variant Classification Summary - May 2015. Collection method: clinical testing. Allele origin: germline.

Labcorp Genetics (formerly Invitae), Labcorp
Classification: Benign. Last evaluated: 2026-01-12. Review status: criteria provided, single submitter. Criteria: Invitae Variant Classification Sherloc (09022015). Collection method: clinical testing. Allele origin: germline.

Blueprint Genetics
Classification: Likely benign. Last evaluated: 2024-06-10. Review status: criteria provided, single submitter. Criteria: ACMG Guidelines, 2015. Collection method: clinical testing. Allele origin: germline.

Fulgent Genetics
Classification: Benign for Stickler syndrome type 1; Multiple epiphyseal dysplasia, Beighton type; Legg-Calve-Perthes disease; Platyspondylic dysplasia, Torrance type; Kniest dysplasia; Spondyloepiphyseal dysplasia congenita; Spondyloepimetaphyseal dysplasia, Strudwick type; Spondylometaphyseal dysplasia - Sutcliffe type; Achondrogenesis type II; Spondyloperipheral dysplasia; Namaqualand hip dysplasia; Avascular necrosis of femoral head, primary, 1; Spondyloepiphyseal dysplasia with metatarsal shortening; Stickler syndrome, type I, nonsyndromic ocular; Spondyloepiphyseal dysplasia, Stanescu type; Vitreoretinopathy with phalangeal epiphyseal dysplasia. Last evaluated: 2022-02-10. Review status: criteria provided, single submitter. Criteria: ACMG Guidelines, 2015. Collection method: clinical testing. Allele origin: unknown.

Genome Diagnostics Laboratory, The Hospital for Sick Children
Classification: Likely benign for Connective tissue disorder. Last evaluated: 2021-06-01. Review status: criteria provided, single submitter. Criteria: ACMG Guidelines, 2015. Collection method: clinical testing. Allele origin: germline.

Illumina Laboratory Services, Illumina
Classification: Benign for Type II Collagenopathies. Last evaluated: 2018-01-13. Review status: criteria provided, single submitter. Criteria: ICSL Variant Classification Criteria 13 December 2019. Collection method: clinical testing. Allele origin: germline.
Comment: This variant was observed in the ICSL laboratory as part of a predisposition screen in an ostensibly healthy population. It had not been previously curated by ICSL or reported in the Human Gene Mutation Database (HGMD: prior to June 1st, 2018), and was therefore a candidate for classification through an automated scoring system. Utilizing variant allele frequency, disease prevalence and penetrance estimates, and inheritance mode, an automated score was calculated to assess if this variant is too frequent to cause the disease. Based on the score and internal cut-off values, a variant classified as benign is not then subjected to further curation. The score for this variant resulted in a classification of benign for this disease.

Illumina Laboratory Services, Illumina
Classification: Likely benign for Stickler syndrome type 1. Last evaluated: 2018-01-13. Review status: criteria provided, single submitter. Criteria: ICSL Variant Classification Criteria 13 December 2019. Collection method: clinical testing. Allele origin: germline.
Comment: This variant was observed in the ICSL laboratory as part of a predisposition screen in an ostensibly healthy population. It had not been previously curated by ICSL or reported in the Human Gene Mutation Database (HGMD: prior to June 1st, 2018), and was therefore a candidate for classification through an automated scoring system. Utilizing variant allele frequency, disease prevalence and penetrance estimates, and inheritance mode, an automated score was calculated to assess if this variant is too frequent to cause the disease. Based on the score and internal cut-off values, a variant classified as likely benign is not then subjected to further curation. The score for this variant resulted in a classification of likely benign for this disease.

GeneDx
Classification: Benign. Last evaluated: 2017-09-13. Review status: criteria provided, single submitter. Criteria: GeneDx Variant Classification (06012015). Collection method: clinical testing. Allele origin: germline. Affected: yes.
Comment: This variant is considered likely benign or benign based on one or more of the following criteria: it is a conservative change, it occurs at a poorly conserved position in the protein, it is predicted to be benign by multiple in silico algorithms, and/or has population frequency not consistent with disease.